The following is an entry in ClinVar:

NM_002225.5(IVD):c.-48G>A

Gene: IVD (isovaleryl-CoA dehydrogenase; plus strand). Cytogenetic location: 15q15.1.
Variant type: single nucleotide variant.
Coding change: c.-48G>A on transcript NM_002225.5 (MANE Select); 48 bases upstream of the start codon, G replaced by A.
Genome position (GRCh38, 1-based): chr15:40,405,780, G>A. VCF-style: chr15-40405780-G-A. GRCh37 (hg19) VCF-style: chr15-40697981-G-A.
Identifiers: ClinVar variation 315796 (VCV000315796.7), dbSNP rs114259808, ClinGen allele CA7480439.

ClinVar aggregate classification (germline): Benign/Likely benign. Review status: criteria provided, multiple submitters, no conflicts (2 of 4 stars). 3 submissions from 3 submitters: Benign (1); Likely benign (1). 1 of the submissions does not count toward it. Last evaluated 2016-03-24.

Conditions:
Isovaleryl-CoA dehydrogenase deficiency (IVA). Also called: ISOVALERIC ACID CoA DEHYDROGENASE DEFICIENCY; IVD DEFICIENCY; Isovaleric acidemia; Classic Isovaleric Acidemia. Identifiers: Orphanet 33, MedGen C0268575, MONDO:0009475, OMIM 243500.

Allele frequency attached by ClinVar (database versions not stated): gnomAD exomes 0.00112 and 0.00280; ExAC 0.00341; ESP Exome Variant Server 0.00985; gnomAD 0.01010 and 0.01080; TOPMed 0.01106; 1000 Genomes Project 0.01138; 1000 Genomes Project 30x 0.01202.

Submissions (3):

GeneDx
Classification: Benign. Last evaluated: 2016-03-24. Review status: criteria provided, single submitter. Criteria: GeneDx Variant Classification (06012015). Collection method: clinical testing. Allele origin: germline. Affected: yes.
Comment: This variant is considered likely benign or benign based on one or more of the following criteria: it is a conservative change, it occurs at a poorly conserved position in the protein, it is predicted to be benign by multiple in silico algorithms, and/or has population frequency not consistent with disease.

Breakthrough Genomics
Classification: Likely benign. Review status: criteria provided, single submitter. Criteria: ACMG Guidelines, 2015. Collection method: not provided. Allele origin: germline. Inheritance: Autosomal recessive inheritance. Affected: yes.

Natera, Inc.
Classification: Benign for Isovaleryl-coa dehydrogenase deficiency. Last evaluated: 2020-09-16. Review status: no assertion criteria provided. Collection method: clinical testing. Allele origin: germline. Not counted in ClinVar's aggregate classification.